The following is an entry in ClinVar:

NM_024426.6(WT1):c.766G>A (p.Gly256Ser)

Gene: WT1 (WT1 transcription factor; minus strand). Cytogenetic location: 11p13.
Variant type: single nucleotide variant.
Coding change: c.766G>A on transcript NM_024426.6 (MANE Select); coding-DNA position 766, G replaced by A.
Protein change: p.Gly256Ser; replaces glycine 256 with serine.
Molecular consequence: missense variant. On other transcripts: non-coding transcript variant (2), intron variant (2).
Genome position (GRCh38, 1-based): chr11:32,428,515, C>T on the plus strand (G>A on the coding strand, the complement: WT1 is on the minus strand). VCF-style: chr11-32428515-C-T. GRCh37 (hg19) VCF-style: chr11-32450061-C-T.
Other names: c.766G>A, p.Gly256Ser (NM_000378.6, NM_001407044.1, NM_001407045.1 and 4 more transcripts); c.115G>A, p.Gly39Ser (NM_001198551.2, NM_001198552.2); c.4G>A, p.Gly2Ser (NM_001407051.1); c.547G>A, p.Gly183Ser (NM_001429031.1, NM_001429032.1, NM_001429033.1 and 1 more transcripts); c.662-457G>A (NM_001407050.1, NM_001407047.1); short protein forms G39S, G183S, G256S, G2S, G251S.
Identifiers: ClinVar variation 4794457 (VCV004794457.1).

ClinVar aggregate classification (germline): Uncertain significance (1 of 4 stars; one submission).

Conditions:
Wilms tumor 1 (WT1). Also called: Wilms tumor, somatic. Identifiers: Orphanet 654, MedGen CN033288, MONDO:0008679, OMIM 194070.
Frasier syndrome. Identifiers: Orphanet 347, MedGen C0950122, MeSH D052159, MONDO:0007635, OMIM 136680.
11p partial monosomy syndrome (WAGR). Also called: WAGR Spectrum Disorder; WAGR syndrome; WAGR Complex; CHROMOSOME 11p13 DELETION SYNDROME. Identifiers: Orphanet 893, MedGen C0206115, MONDO:0008681, OMIM 194072.
Drash syndrome (DDS). Also called: WILMS TUMOR AND PSEUDO- OR TRUE HERMAPHRODITISM; NEPHROPATHY, WILMS TUMOR, AND GENITAL ANOMALIES. Identifiers: Orphanet 220, MedGen C0950121, MONDO:0008682, OMIM 194080.

Submission:

Labcorp Genetics (formerly Invitae), Labcorp
Classification: Uncertain significance for Wilms tumor 1; Drash syndrome; 11p partial monosomy syndrome; Frasier syndrome. Last evaluated: 2025-07-21. Review status: criteria provided, single submitter. Criteria: Invitae Variant Classification Sherloc (09022015). Collection method: clinical testing. Allele origin: germline.
Comment: This sequence change replaces glycine, which is neutral and non-polar, with serine, which is neutral and polar, at codon 251 of the WT1 protein (p.Gly251Ser). This variant is present in population databases (rs751432306, gnomAD 0.0009%). This variant has not been reported in the literature in individuals affected with WT1-related conditions. Invitae Evidence Modeling of protein sequence and biophysical properties (such as structural, functional, and spatial information, amino acid conservation, physicochemical variation, residue mobility, and thermodynamic stability) indicates that this missense variant is not expected to disrupt WT1 protein function with a negative predictive value of 95%. In summary, the available evidence is currently insufficient to determine the role of this variant in disease. Therefore, it has been classified as a Variant of Uncertain Significance.